The following is an entry in ClinVar:

NC_012920.1(MT-TL1):m.3275C>T

Gene: MT-TL1 (mitochondrially encoded tRNA leucine 1 (UUA/G); plus strand).
Variant type: single nucleotide variant.
Genome position: chrM-3275-C-T.
Identifiers: ClinVar variation 370045 (VCV000370045.3), dbSNP rs1057516057, ClinGen allele CA16040645.
Genomic context (GRCh38, chrMT:3,275, plus strand): 5'-CCAAGAACAGGGTTTGTTAAGATGGCAGAGCCCGGTAATCGCATAAAACTTAAAACTTTA[C>T]AGTCAGAGGTTCAATTCCTCTTCTTAACAACATACCCATGGCCAACCTCCTACTCCTCAT-3'

ClinVar aggregate classification (germline): Benign. Review status: criteria provided, single submitter (1 of 4 stars). 5 submissions from 2 submitters: Benign (1). 4 of the submissions do not count toward it. Last evaluated 2019-07-12.

Conditions:
Developmental delay. Also called: Delayed development. Identifiers: MedGen C0424605.
Hepatitis. Identifiers: MedGen C0019158, MONDO:0002251, HP:0012115.
Hepatic steatosis. Also called: Fatty liver disease. Identifiers: MedGen C2711227, MONDO:0004790, HP:0001397.
Myopia. Also called: Myopia (disease). Identifiers: MedGen C0027092, MONDO:0001384, HP:0000545.
Fibrosis. Identifiers: MedGen C0016059.
Neuromuscular disease. Also called: Neuromuscular disorder; Neuromyopathy. Identifiers: Orphanet 68381, MedGen C0027868, MeSH D009468, MONDO:0019056.
Leber optic atrophy (LHON). Also called: Leber hereditary optic neuropathy; Leber's optic atrophy; Optic Atrophy, Hereditary, Leber; Leber's disease. Identifiers: Orphanet 104, MedGen C0917796, MONDO:0010788, OMIM 535000, HP:0001112.
MELAS syndrome (MELAS). Also called: Juvenile myopathy, encephalopathy, lactic acidosis, stroke. Identifiers: Orphanet 550, MedGen C0162671, MONDO:0010789, OMIM 540000.

Submissions (5):

Wong Mito Lab, Molecular and Human Genetics, Baylor College of Medicine
Classification: Benign for MELAS syndrome. Last evaluated: 2019-07-12. Review status: criteria provided, single submitter. Criteria: Modified ACMG Guidelines (Unpublished). Collection method: clinical testing. Allele origin: germline.
Comment: The NC_012920.1:m.3275C>T variant in MT-TL1 gene is interpreted to be a Benign variant based on the modified ACMG guidelines (unpublished). This variant meets the following evidence codes reported in the guidelines: BS1, BS4, BP4

Center for Neuroscience and Cell Biology, University of Coimbra, Portugal
Classification: Uncertain significance for Leber optic atrophy. Last evaluated: 2016-11-21. Review status: no assertion criteria provided. Collection method: clinical testing. Allele origin: unknown. Affected: yes. Observed: 4 variant alleles. Not counted in ClinVar's aggregate classification.

Center for Neuroscience and Cell Biology, University of Coimbra, Portugal
Classification: Uncertain significance for Myopia; Hepatitis; Steatosis; Fibrosis. Last evaluated: 2016-11-21. Review status: no assertion criteria provided. Collection method: clinical testing. Allele origin: unknown. Affected: yes. Observed: 4 variant alleles. Not counted in ClinVar's aggregate classification.

Center for Neuroscience and Cell Biology, University of Coimbra, Portugal
Classification: Uncertain significance for Developmental delay; Neuromuscular disease. Last evaluated: 2016-11-21. Review status: no assertion criteria provided. Collection method: clinical testing. Allele origin: unknown. Affected: yes. Observed: 4 variant alleles. Not counted in ClinVar's aggregate classification.

Center for Neuroscience and Cell Biology, University of Coimbra, Portugal
Classification: Uncertain significance for Developmental delay. Last evaluated: 2016-11-21. Review status: no assertion criteria provided. Collection method: clinical testing. Allele origin: unknown. Affected: yes. Observed: 1 variant allele. Not counted in ClinVar's aggregate classification.

Literature cited by the submitters: PubMed 31965079 (cited by Wong Mito Lab, Molecular and Human Genetics, Baylor College of Medicine); PubMed 28027978 (cited by Center for Neuroscience and Cell Biology, University of Coimbra, Portugal).